The following is an entry in ClinVar:

ClinVar aggregate classification (germline): Uncertain significance (1 of 4 stars; one submission).

Allele frequency attached by ClinVar (database versions not stated): gnomAD exomes 0.00001.
gnomAD v4.1: 3 of 1,614,106 alleles (0.00019%); highest among the groups gnomAD compares: Non-Finnish European, 0.00025%; no homozygotes.

Submission:

Labcorp Genetics (formerly Invitae), Labcorp
Classification: Uncertain significance. Last evaluated: 2024-04-22. Review status: criteria provided, single submitter. Criteria: Invitae Variant Classification Sherloc (09022015). Collection method: clinical testing. Allele origin: germline.
Comment: This sequence change replaces isoleucine, which is neutral and non-polar, with valine, which is neutral and non-polar, at codon 1658 of the SCN3A protein (p.Ile1658Val). This variant is not present in population databases (gnomAD no frequency). This variant has not been reported in the literature in individuals affected with SCN3A-related conditions. ClinVar contains an entry for this variant (Variation ID: 2419178). Advanced modeling of protein sequence and biophysical properties (such as structural, functional, and spatial information, amino acid conservation, physicochemical variation, residue mobility, and thermodynamic stability) performed at Invitae indicates that this missense variant is expected to disrupt SCN3A protein function with a positive predictive value of 80%. In summary, the available evidence is currently insufficient to determine the role of this variant in disease. Therefore, it has been classified as a Variant of Uncertain Significance.

NM_006922.4(SCN3A):c.4972A>G (p.Ile1658Val)

Gene: SCN3A (sodium voltage-gated channel alpha subunit 3; minus strand). Cytogenetic location: 2q24.3.
Variant type: single nucleotide variant.
Coding change: c.4972A>G on transcript NM_006922.4 (MANE Select); coding-DNA position 4972, A replaced by G.
Protein change: p.Ile1658Val; replaces isoleucine 1658 with valine.
Molecular consequence: missense variant.
Genome position (GRCh38, 1-based): chr2:165,091,181, T>C on the plus strand (A>G on the coding strand, the complement: SCN3A is on the minus strand). VCF-style: chr2-165091181-T-C. GRCh37 (hg19) VCF-style: chr2-165947691-T-C.
Other names: c.4825A>G, p.Ile1609Val (NM_001081676.2, NM_001081677.2); short protein forms I1609V, I1658V.
Identifiers: ClinVar variation 2419178 (VCV002419178.6), dbSNP rs2468041683, ClinGen allele CA349017782.